The following is an entry in ClinVar:

NM_001163809.2(WDR81):c.930G>A (p.Glu310=)

Gene: WDR81 (WD repeat domain 81; plus strand). Cytogenetic location: 17p13.3.
Variant type: single nucleotide variant.
Coding change: c.930G>A on transcript NM_001163809.2 (MANE Select); coding-DNA position 930, G replaced by A.
Protein change: p.Glu310=; no amino-acid change (glutamic acid 310 retained).
Molecular consequence: synonymous variant. On other transcripts: intron variant (3).
Genome position (GRCh38, 1-based): chr17:1,725,889, G>A. VCF-style: chr17-1725889-G-A. GRCh37 (hg19) VCF-style: chr17-1629183-G-A.
Other names: c.-123-2101G>A (NM_152348.4); c.59-4491G>A (NM_001163673.2); c.-15+1103G>A (NM_001163811.2).
Identifiers: ClinVar variation 4977195 (VCV004977195.1).

ClinVar aggregate classification (germline): Likely benign (1 of 4 stars; one submission).

Conditions:
WDR81-related disorder. Also called: WDR81-related condition.

gnomAD v4.1: 33 of 1,550,914 alleles (0.0021%); highest among the groups gnomAD compares: African/African-American, 0.044%; no homozygotes.

Submission:

PreventionGenetics, part of Exact Sciences
Classification: Likely benign for WDR81-related condition. Last evaluated: 2025-06-17. Review status: criteria provided, single submitter. Criteria: ACMG Guidelines, 2015. Collection method: clinical testing. Allele origin: germline.
Comment: This variant is classified as likely benign based on ACMG/AMP sequence variant interpretation guidelines (Richards et al. 2015 PMID: 25741868, with internal and published modifications).